The following is an entry in ClinVar:

NM_000038.6(APC):c.5837C>T (p.Ala1946Val)

Gene: APC (APC regulator of Wnt signaling pathway; plus strand). Cytogenetic location: 5q22.2.
Variant type: single nucleotide variant.
Coding change: c.5837C>T on transcript NM_000038.6 (MANE Select); coding-DNA position 5837, C replaced by T.
Protein change: p.Ala1946Val; replaces alanine 1946 with valine.
Molecular consequence: missense variant. On other transcripts: non-coding transcript variant (2).
Genome position (GRCh38, 1-based): chr5:112,841,431, C>T. VCF-style: chr5-112841431-C-T. GRCh37 (hg19) VCF-style: chr5-112177128-C-T.
Other names: c.5837C>T, p.Ala1946Val (NM_001127510.3, NM_001354895.2, NM_001407450.1); c.5783C>T, p.Ala1928Val (NM_001127511.3); c.5891C>T, p.Ala1964Val (NM_001354896.2, NM_001407447.1, NM_001407448.1 and 1 more transcripts); c.5867C>T, p.Ala1956Val (NM_001354897.2); c.5762C>T, p.Ala1921Val (NM_001354898.2); c.5753C>T, p.Ala1918Val (NM_001354899.2); c.5714C>T, p.Ala1905Val (NM_001354900.2); c.5660C>T, p.Ala1887Val (NM_001354901.2, NM_001407453.1); and 11 more; short protein forms A1562V, A1663V, A1786V, A1817V, A1820V, A1845V, A1855V, A1863V.
Identifiers: ClinVar variation 4758980 (VCV004758980.1).
Genomic context (GRCh38, chr5:112,841,431, plus strand): 5'-TACTTCAGAAACAATCCACTTTTCCCCAGTCATCCAAAGACATACCAGACAGAGGGGCAG[C>T]AACTGATGAAAAGTTACAGAATTTTGCTATTGAAAATACTCCGGTTTGCTTTTCTCATAA-3'
Protein context (NP_000029.2, residues 1936-1956): SSKDIPDRGA[Ala1946Val]TDEKLQNFAI

ClinVar aggregate classification (germline): Uncertain significance (1 of 4 stars; one submission).

Conditions:
Hereditary cancer-predisposing syndrome. Also called: Neoplastic Syndromes, Hereditary; Hereditary neoplastic syndrome; Tumor predisposition; Hereditary Cancer Syndrome. Identifiers: Orphanet 140162, MedGen C0027672, MeSH D009386, MONDO:0015356.

Submission:

Color Diagnostics, LLC DBA Color Health
Classification: Uncertain significance for Hereditary cancer-predisposing syndrome. Last evaluated: 2025-08-05. Review status: criteria provided, single submitter. Criteria: ACMG Guidelines, 2015. Collection method: clinical testing. Allele origin: germline.
Comment: This missense variant replaces alanine with valine at codon 1946 of the APC protein. Computational prediction suggests that this variant may not impact protein structure and function. To our knowledge, functional studies have not been reported for this variant. This variant has not been reported in individuals affected with APC-related disorders in the literature. This variant has not been identified in the general population by the Genome Aggregation Database (gnomAD). The available evidence is insufficient to determine the role of this variant in disease conclusively. Therefore, this variant is classified as a Variant of Uncertain Significance.